The following is an entry in ClinVar:

ClinVar aggregate classification (germline): Likely benign (1 of 4 stars; one submission).

Conditions:
Breast-ovarian cancer, familial, susceptibility to, 1 (BROVCA1). Also called: BRCA1 Hereditary Breast and Ovarian Cancer; OVARIAN CANCER, SUSCEPTIBILITY TO. Identifiers: Orphanet 145, MedGen C2676676, MONDO:0011450, OMIM 604370. Disease mechanism: loss of function.

Allele frequency attached by ClinVar (database versions not stated): gnomAD exomes below 0.00001.
gnomAD v4.1: 2 of 1,614,220 alleles (0.00012%); highest among the groups gnomAD compares: South Asian, 0.0022%; no homozygotes.

Submissions (2):

Cancer Bioinformatics and Tumour Evolution Laboratory, Monash University
Classification: Likely benign for Breast-ovarian cancer, familial, susceptibility to, 1. Last evaluated: 2026-05-01. Review status: criteria provided, single submitter. Criteria: ClinGen BRCA1 and BRCA2 Guidelines, 2024. Collection method: curation. Allele origin: germline. Inheritance: Autosomal dominant inheritance.
Comment: PMID: 39281752 - A large scale study to determine the case-control LR of BRCA1 and BRCA2 variants. The data was consolidated in the ccLR browser. This variant was found in the browser with a LR of 6.982141972 which is in the moderate pathogenic range (2.30-18.70) according to the BRCA1 and BRCA2 VCEP. Hence, PP4_moderate is applied. Variant is in the functional domain (BRCT domain) with a BayesDel score of 0.0685845. Hence, BP4 is applied. PMID: 30209399 - SGE on haploid human HAP1 cells followed by HDR assay. This variant (c.4961T>C; p.Val1654Ala) was found to be functional. Hence, BS3 is applied.

Brotman Baty Institute, University of Washington
No classification provided (evidence only). Condition: Breast-ovarian cancer, familial 1. Review status: no classification provided. Collection method: in vitro. Allele origin: not applicable. Functional consequence: functionally_normal. Not counted in ClinVar's aggregate classification.
ClinVar note: "not provided" was previously submitted as the classification for the variant. However, the classification appeared to be based only on an observation of functional data so it was converted to no classification on 2025-07-30.

Literature cited by the submitters: PubMed 30209399 (cited by Cancer Bioinformatics and Tumour Evolution Laboratory, Monash University); PubMed 39281752 (cited by Cancer Bioinformatics and Tumour Evolution Laboratory, Monash University).

NM_007294.4(BRCA1):c.4961T>C (p.Val1654Ala)

Gene: BRCA1 (BRCA1 DNA repair associated; minus strand). Cytogenetic location: 17q21.31.
Variant type: single nucleotide variant.
Coding change: c.4961T>C on transcript NM_007294.4 (MANE Select); coding-DNA position 4961, T replaced by C.
Protein change: p.Val1654Ala; replaces valine 1654 with alanine.
Molecular consequence: missense variant. On other transcripts: non-coding transcript variant (1).
Genome position (GRCh38, 1-based): chr17:43,070,953, A>G on the plus strand (T>C on the coding strand, the complement: BRCA1 is on the minus strand). VCF-style: chr17-43070953-A-G. GRCh37 (hg19) VCF-style: chr17-41222970-A-G.
Other names: c.4748T>C, p.Val1583Ala (NM_001407571.1, NM_001407898.1, NM_001407899.1 and 12 more transcripts); c.5027T>C, p.Val1676Ala (NM_001407581.1, NM_001407582.1); c.5024T>C, p.Val1675Ala (NM_001407583.1, NM_001407585.1, NM_001407587.1 and 1 more transcripts); c.5021T>C, p.Val1674Ala (NM_001407590.1, NM_001407591.1); c.4961T>C, p.Val1654Ala (NM_001407593.1, NM_001407594.1, NM_001407596.1 and 8 more transcripts); c.4958T>C, p.Val1653Ala (NM_001407610.1, NM_001407611.1, NM_001407612.1 and 17 more transcripts); c.4955T>C, p.Val1652Ala (NM_001407627.1, NM_001407628.1, NM_001407629.1 and 14 more transcripts); c.4946T>C, p.Val1649Ala (NM_001407647.1); and 70 more; short protein forms V1607A, V1654A, V1675A, V550A, V1485A, V1584A, V1585A, V1605A.
Identifiers: ClinVar variation 865466 (VCV000865466.4), dbSNP rs1408104448, ClinGen allele CA10591601.